The following is an entry in ClinVar:

NM_016938.5(EFEMP2):c.493A>G (p.Ile165Val)

Gene: EFEMP2 (EGF-like fibulin extracellular matrix protein 2; minus strand). Cytogenetic location: 11q13.1.
Variant type: single nucleotide variant.
Coding change: c.493A>G on transcript NM_016938.5 (MANE Select); coding-DNA position 493, A replaced by G.
Protein change: p.Ile165Val; replaces isoleucine 165 with valine.
Molecular consequence: missense variant. On other transcripts: non-coding transcript variant (1).
Genome position (GRCh38, 1-based): chr11:65,870,235, T>C on the plus strand (A>G on the coding strand, the complement: EFEMP2 is on the minus strand). VCF-style: chr11-65870235-T-C. GRCh37 (hg19) VCF-style: chr11-65637706-T-C.
Other names: c.493A>G (NM_016938.4); short protein forms I165V.
Identifiers: ClinVar variation 1490958 (VCV001490958.6), dbSNP rs1859941615, ClinGen allele CA381361434.
Genomic context (GRCh38, chr11:65,870,235, plus strand): 5'-GGAAGGAGCCAGGCAGGTTCACGCAGCGGTGCTGGCAGTAGCGGTAGCGGCACTCGTCTA[T>C]GTCTAGGGATAGAGGCAGGAGAAGGAGGGCGGAGGGCAGAGGGCAGAGGGCAGGTGGGCT-3'
Protein context (NP_058634.4, residues 155-175): YRKIGPECVD[Ile165Val]DECRYRYCQH

ClinVar aggregate classification (germline): Uncertain significance. Review status: criteria provided, multiple submitters, no conflicts (2 of 4 stars). 2 submissions from 2 submitters: Uncertain significance (2). Last evaluated 2025-02-19.

Conditions:
Cardiovascular phenotype. Identifiers: MedGen CN230736.
Cutis laxa, autosomal recessive, type 1B (ARCL1B). Also called: EFEMP2-Related Cutis Laxa; CUTIS LAXA, AUTOSOMAL RECESSIVE, TYPE IB. Identifiers: Orphanet 90349, MedGen C3280798, MONDO:0013754, OMIM 614437. Disease mechanism: loss of function.

Allele frequency attached by ClinVar (database versions not stated): TOPMed 0.00001.

Submissions (2):

Ambry Genetics
Classification: Uncertain significance for Cardiovascular phenotype. Last evaluated: 2025-02-19. Review status: criteria provided, single submitter. Criteria: Ambry Variant Classification Scheme 2023. Collection method: clinical testing. Allele origin: germline.

Labcorp Genetics (formerly Invitae), Labcorp
Classification: Uncertain significance for Cutis laxa, autosomal recessive, type 1B. Last evaluated: 2021-11-18. Review status: criteria provided, single submitter. Criteria: Invitae Variant Classification Sherloc (09022015). Collection method: clinical testing. Allele origin: germline.
Comment: Algorithms developed to predict the effect of missense changes on protein structure and function output the following: SIFT: "Deleterious"; PolyPhen-2: "Benign"; Align-GVGD: "Class C25". The valine amino acid residue is found in multiple mammalian species, which suggests that this missense change does not adversely affect protein function. This variant has not been reported in the literature in individuals affected with EFEMP2-related conditions. This variant is not present in population databases (gnomAD no frequency). This sequence change replaces isoleucine, which is neutral and non-polar, with valine, which is neutral and non-polar, at codon 165 of the EFEMP2 protein (p.Ile165Val). In summary, the available evidence is currently insufficient to determine the role of this variant in disease. Therefore, it has been classified as a Variant of Uncertain Significance.